The following is an entry in ClinVar:

ClinVar aggregate classification (germline): Uncertain significance. Review status: criteria provided, multiple submitters, no conflicts (2 of 4 stars). 2 submissions from 2 submitters: Uncertain significance (2). Last evaluated 2025-02-07.

Conditions:
Inborn genetic diseases. Identifiers: MedGen C0950123, MeSH D030342.

Allele frequency attached by ClinVar (database versions not stated): gnomAD exomes below 0.00001; TOPMed below 0.00001; gnomAD 0.00001.
gnomAD v4.1: 7 of 1,614,030 alleles (0.00043%); highest among the groups gnomAD compares: South Asian, 0.0033%; no homozygotes.

Submissions (2):

Ambry Genetics
Classification: Uncertain significance for Inborn genetic diseases. Last evaluated: 2025-02-07. Review status: criteria provided, single submitter. Criteria: Ambry Variant Classification Scheme 2023. Collection method: clinical testing. Allele origin: germline.

Labcorp Genetics (formerly Invitae), Labcorp
Classification: Uncertain significance. Last evaluated: 2022-04-24. Review status: criteria provided, single submitter. Criteria: Invitae Variant Classification Sherloc (09022015). Collection method: clinical testing. Allele origin: germline.
Comment: In summary, the available evidence is currently insufficient to determine the role of this variant in disease. Therefore, it has been classified as a Variant of Uncertain Significance. Algorithms developed to predict the effect of missense changes on protein structure and function are either unavailable or do not agree on the potential impact of this missense change (SIFT: "Not Available"; PolyPhen-2: "Benign"; Align-GVGD: "Not Available"). This variant has not been reported in the literature in individuals affected with FN1-related conditions. This variant is present in population databases (rs770271450, gnomAD 0.003%). This sequence change replaces methionine, which is neutral and non-polar, with valine, which is neutral and non-polar, at codon 490 of the FN1 protein (p.Met490Val).

NM_212482.4(FN1):c.1468A>G (p.Met490Val)

Gene: FN1 (fibronectin 1; minus strand). Cytogenetic location: 2q35.
Variant type: single nucleotide variant.
Coding change: c.1468A>G on transcript NM_212482.4 (MANE Select); coding-DNA position 1468, A replaced by G.
Protein change: p.Met490Val; replaces methionine 490 with valine.
Molecular consequence: missense variant.
Genome position (GRCh38, 1-based): chr2:215,422,169, T>C on the plus strand (A>G on the coding strand, the complement: FN1 is on the minus strand). VCF-style: chr2-215422169-T-C. GRCh37 (hg19) VCF-style: chr2-216286892-T-C.
Other names: c.1468A>G, p.Met490Val (NM_001306129.2, NM_001306130.2, NM_001306131.2 and 14 more transcripts); c.1468A>G (NM_212482.1); short protein forms M490V.
Identifiers: ClinVar variation 1939668 (VCV001939668.6), dbSNP rs770271450, ClinGen allele CA2095281.